The following is an entry in ClinVar:

NM_001371928.1(AHDC1):c.834_854del (p.Pro280_Gln286del)

Gene: AHDC1 (AT-hook DNA binding motif containing 1; minus strand). Cytogenetic location: 1p36.11.
Variant type: Deletion.
Coding change: c.834_854del on transcript NM_001371928.1 (MANE Select); coding-DNA positions 834 to 854, 21 bases deleted (CCAGCCCCGCTTCCTGGACCC).
Protein change: p.Pro280_Gln286del.
Molecular consequence: inframe deletion.
Genome position (GRCh38, 1-based): chr1:27,551,262-27,551,282, GGGTCCAGGAAGCGGGGCTGG deleted on the plus strand (CCAGCCCCGCTTCCTGGACCC on the coding strand, the reverse complement: AHDC1 is on the minus strand); deleting any 21 consecutive bases within chr1:27,551,262-27,551,292 gives the same sequence; the c. name uses the placement nearest the transcript's 3' end. VCF-style (leftmost placement, unchanged base first): chr1-27551261-CGGGTCCAGGAAGCGGGGCTGG-C. GRCh37 (hg19) VCF-style: chr1-27877772-CGGGTCCAGGAAGCGGGGCTGG-C.
Other names: c.834_854del, p.Pro280_Gln286del (NM_001029882.3).
Identifiers: ClinVar variation 1413322 (VCV001413322.6), dbSNP rs778859656, ClinGen allele CA2573132239.

ClinVar aggregate classification (germline): Uncertain significance (1 of 4 stars; one submission).

Submission:

Labcorp Genetics (formerly Invitae), Labcorp
Classification: Uncertain significance. Last evaluated: 2023-04-14. Review status: criteria provided, single submitter. Criteria: Invitae Variant Classification Sherloc (09022015). Collection method: clinical testing. Allele origin: germline.
Comment: This variant, c.834_854del, results in the deletion of 7 amino acid(s) of the AHDC1 protein (p.Pro280_Gln286del), but otherwise preserves the integrity of the reading frame. This variant is not present in population databases (gnomAD no frequency). This variant has not been reported in the literature in individuals affected with AHDC1-related conditions. ClinVar contains an entry for this variant (Variation ID: 1413322). Experimental studies and prediction algorithms are not available or were not evaluated, and the functional significance of this variant is currently unknown. In summary, the available evidence is currently insufficient to determine the role of this variant in disease. Therefore, it has been classified as a Variant of Uncertain Significance.